The following is an entry in ClinVar:

ClinVar aggregate classification (germline): Uncertain significance (1 of 4 stars; one submission).

Conditions:
Inborn genetic diseases. Identifiers: MedGen C0950123, MeSH D030342.

Submission:

Ambry Genetics
Classification: Uncertain significance for Inborn genetic diseases. Last evaluated: 2025-11-25. Review status: criteria provided, single submitter. Criteria: Ambry Variant Classification Scheme 2023. Collection method: clinical testing. Allele origin: germline.
Comment: The p.L870F variant (also known as c.2610A>T), located in coding exon 12 of the BMPR2 gene, results from an A to T substitution at nucleotide position 2610. The leucine at codon 870 is replaced by phenylalanine, an amino acid with highly similar properties. This amino acid position is conserved. In addition, the in silico prediction for this alteration is inconclusive. Based on the available evidence, the clinical significance of this variant remains unclear.

NM_001204.7(BMPR2):c.2610A>T (p.Leu870Phe)

Gene: BMPR2 (bone morphogenetic protein receptor type 2; plus strand). Cytogenetic location: 2q33.2.
Variant type: single nucleotide variant.
Coding change: c.2610A>T on transcript NM_001204.7 (MANE Select); coding-DNA position 2610, A replaced by T.
Protein change: p.Leu870Phe; replaces leucine 870 with phenylalanine.
Molecular consequence: missense variant.
Genome position (GRCh38, 1-based): chr2:202,556,275, A>T. VCF-style: chr2-202556275-A-T. GRCh37 (hg19) VCF-style: chr2-203420998-A-T.
Other names: short protein forms L870F.
Identifiers: ClinVar variation 4597919 (VCV004597919.1).